The following is an entry in ClinVar:

ClinVar aggregate classification (germline): Uncertain significance (1 of 4 stars; one submission).

Conditions:
Spastic paraplegia. Identifiers: MedGen C0037772, HP:0001258.

Submission:

Labcorp Genetics (formerly Invitae), Labcorp
Classification: Uncertain significance for Spastic paraplegia. Last evaluated: 2023-08-17. Review status: criteria provided, single submitter. Criteria: Invitae Variant Classification Sherloc (09022015). Collection method: clinical testing. Allele origin: germline.
Comment: In summary, the available evidence is currently insufficient to determine the role of this variant in disease. Therefore, it has been classified as a Variant of Uncertain Significance. Advanced modeling of protein sequence and biophysical properties (such as structural, functional, and spatial information, amino acid conservation, physicochemical variation, residue mobility, and thermodynamic stability) performed at Invitae indicates that this missense variant is not expected to disrupt SACS protein function. This variant has not been reported in the literature in individuals affected with SACS-related conditions. This variant is not present in population databases (gnomAD no frequency). This sequence change replaces threonine, which is neutral and polar, with serine, which is neutral and polar, at codon 1976 of the SACS protein (p.Thr1976Ser).

NM_014363.6(SACS):c.5927C>G (p.Thr1976Ser)

Gene: SACS (sacsin molecular chaperone; minus strand). Cytogenetic location: 13q12.12.
Variant type: single nucleotide variant.
Coding change: c.5927C>G on transcript NM_014363.6 (MANE Select); coding-DNA position 5927, C replaced by G.
Protein change: p.Thr1976Ser; replaces threonine 1976 with serine.
Molecular consequence: missense variant.
Genome position (GRCh38, 1-based): chr13:23,337,949, G>C on the plus strand (C>G on the coding strand, the complement: SACS is on the minus strand). VCF-style: chr13-23337949-G-C. GRCh37 (hg19) VCF-style: chr13-23912088-G-C.
Other names: c.5486C>G, p.Thr1829Ser (NM_001278055.2); short protein forms T1829S, T1976S.
Identifiers: ClinVar variation 2841401 (VCV002841401.3), dbSNP rs1159804316, ClinGen allele CA387524271.